The following is an entry in ClinVar:

NM_020366.4(RPGRIP1):c.3533-2A>G

Gene: RPGRIP1 (RPGR interacting protein 1; plus strand). Cytogenetic location: 14q11.2.
Variant type: single nucleotide variant.
Coding change: c.3533-2A>G on transcript NM_020366.4 (MANE Select); the canonical splice acceptor site of the intron before coding-DNA position 3533, A replaced by G.
Molecular consequence: splice acceptor variant.
Genome position (GRCh38, 1-based): chr14:21,345,111, A>G. VCF-style: chr14-21345111-A-G. GRCh37 (hg19) VCF-style: chr14-21813270-A-G.
Other names: c.2459-2A>G (NM_001377948.1); c.1619-2A>G (NM_001377949.1); c.1511-2A>G (NM_001377523.1, NM_001377950.1); c.1016-2A>G (NM_001377951.1).
Identifiers: ClinVar variation 2935232 (VCV002935232.3), dbSNP rs1416794391, ClinGen allele CA388857430.

ClinVar aggregate classification (germline): Likely pathogenic (1 of 4 stars; one submission).

Conditions:
Cone-rod dystrophy 13 (CORD13). Identifiers: Orphanet 1872, MedGen C2750720, MONDO:0011987, OMIM 608194.
Leber congenital amaurosis 6 (LCA6). Identifiers: Orphanet 65, MedGen C1854260, MONDO:0013446, OMIM 613826.

Allele frequency attached by ClinVar (database versions not stated): TOPMed below 0.00001; gnomAD 0.00001.
gnomAD v4.1: 6 of 1,605,940 alleles (0.00037%); highest among the groups gnomAD compares: East Asian, 0.0067%; no homozygotes.

Submission:

Labcorp Genetics (formerly Invitae), Labcorp
Classification: Likely pathogenic for Leber congenital amaurosis 6; Cone-rod dystrophy 13. Last evaluated: 2022-11-20. Review status: criteria provided, single submitter. Criteria: Invitae Variant Classification Sherloc (09022015). Collection method: clinical testing. Allele origin: germline.
Comment: In summary, the currently available evidence indicates that the variant is pathogenic, but additional data are needed to prove that conclusively. Therefore, this variant has been classified as Likely Pathogenic. Algorithms developed to predict the effect of sequence changes on RNA splicing suggest that this variant may disrupt the consensus splice site. Disruption of this splice site has been observed in individual(s) with clinical features of RPGRIP1-related conditions (Invitae). This variant is present in population databases (no rsID available, gnomAD 0.01%). This sequence change affects an acceptor splice site in intron 21 of the RPGRIP1 gene. It is expected to disrupt RNA splicing. Variants that disrupt the donor or acceptor splice site typically lead to a loss of protein function (PMID: 16199547), and loss-of-function variants in RPGRIP1 are known to be pathogenic (PMID: 11528500, 23105016).

Literature cited by the submitters: PubMed 16199547; PubMed 11528500; PubMed 23105016.